The following is an entry in ClinVar:

NM_000352.6(ABCC8):c.3095G>A (p.Trp1032Ter)

Gene: ABCC8 (ATP binding cassette subfamily C member 8; minus strand). Cytogenetic location: 11p15.1.
Variant type: single nucleotide variant.
Coding change: c.3095G>A on transcript NM_000352.6 (MANE Select); coding-DNA position 3095, G replaced by A.
Protein change: p.Trp1032Ter; replaces tryptophan 1032 with a stop codon.
Molecular consequence: nonsense. On other transcripts: non-coding transcript variant (1).
Genome position (GRCh38, 1-based): chr11:17,406,955, C>T on the plus strand (G>A on the coding strand, the complement: ABCC8 is on the minus strand). VCF-style: chr11-17406955-C-T. GRCh37 (hg19) VCF-style: chr11-17428502-C-T.
Other names: c.3098G>A, p.Trp1033Ter (NM_001287174.3); c.3161G>A, p.Trp1054Ter (NM_001351295.2); c.3095G>A, p.Trp1032Ter (NM_001351296.2); c.3092G>A, p.Trp1031Ter (NM_001351297.2); short protein forms W1033*, W1054*, W1031*, W1032*.
Identifiers: ClinVar variation 2825270 (VCV002825270.3), dbSNP rs2496530557, ClinGen allele CA379803356.

ClinVar aggregate classification (germline): Pathogenic (1 of 4 stars; one submission).

Submission:

Labcorp Genetics (formerly Invitae), Labcorp
Classification: Pathogenic. Last evaluated: 2024-01-28. Review status: criteria provided, single submitter. Criteria: Invitae Variant Classification Sherloc (09022015). Collection method: clinical testing. Allele origin: germline.
Comment: This sequence change creates a premature translational stop signal (p.Trp1032*) in the ABCC8 gene. It is expected to result in an absent or disrupted protein product. Loss-of-function variants in ABCC8 are known to be pathogenic (PMID: 20685672, 23345197). This variant is not present in population databases (gnomAD no frequency). This variant has not been reported in the literature in individuals affected with ABCC8-related conditions. For these reasons, this variant has been classified as Pathogenic.

Literature cited by the submitters: PubMed 20685672; PubMed 23345197.